The following is an entry in ClinVar:

NM_001271049.2(CFAP221):c.1700T>A (p.Ile567Asn)

Gene: CFAP221 (cilia and flagella associated protein 221; plus strand). Cytogenetic location: 2q14.2.
Variant type: single nucleotide variant.
Coding change: c.1700T>A on transcript NM_001271049.2 (MANE Select); coding-DNA position 1700, T replaced by A.
Protein change: p.Ile567Asn; replaces isoleucine 567 with asparagine.
Molecular consequence: missense variant. On other transcripts: non-coding transcript variant (2).
Genome position (GRCh38, 1-based): chr2:119,629,924, T>A. VCF-style: chr2-119629924-T-A. GRCh37 (hg19) VCF-style: chr2-120387500-T-A.
Other names: short protein forms I567N.
Identifiers: ClinVar variation 3773979 (VCV003773979.1).

ClinVar aggregate classification (germline): Uncertain significance (1 of 4 stars; one submission).

Submission:

GeneDx
Classification: Uncertain significance. Last evaluated: 2022-02-01. Review status: criteria provided, single submitter. Criteria: GeneDx Variant Classification Process June 2021. Collection method: clinical testing. Allele origin: germline. Affected: yes.
Comment: Not observed at significant frequency in large population cohorts (gnomAD); In silico analysis supports that this missense variant has a deleterious effect on protein structure/function; Has not been previously published as pathogenic or benign to our knowledge; Variants in candidate genes are classified as variants of uncertain significance in accordance with ACMG guidelines (Richards et al., 2015)